The following is an entry in ClinVar:

NM_001211.6(BUB1B):c.1168GAG[1] (p.Glu391del)

Gene: BUB1B (BUB1 mitotic checkpoint serine/threonine kinase B; plus strand). Cytogenetic location: 15q15.1.
Variant type: Microsatellite.
Coding change: c.1168GAG[1] on transcript NM_001211.6 (MANE Select); one copy of the 3-base unit GAG starting at c.1168; the reference has two copies in a row; one copy, 3 bases deleted; also written c.1171_1173del.
Protein change: p.Glu391del; deletes glutamic acid 391.
Molecular consequence: inframe deletion.
Genome position (GRCh38, 1-based): chr15:40,196,657-40,196,659, GAG deleted; deleting any 3 consecutive bases within chr15:40,196,654-40,196,659 gives the same sequence; the position shown is the placement nearest the transcript's 3' end. VCF-style (leftmost placement, unchanged base first): chr15-40196653-TGAG-T. GRCh37 (hg19) VCF-style: chr15-40488854-TGAG-T.
Other names: c.1171_1173delGAG (NM_001211.5); c.1171_1173del (NM_001211.6); short protein forms E391del.
Identifiers: ClinVar variation 403741 (VCV000403741.25), dbSNP rs778590557, ClinGen allele CA7475672.
Genomic context (GRCh38, chr15:40,196,653, plus strand): 5'-AAAGCCTGGAAAGGAAGAAGGAGATCCTCTACAAAGGGTTCAGAGCCATCAGCAAGCGTC[TGAG>T]GAGAAGAAAGAGAAGATGATGTATTGTAAGGAGAAGATTTATGCAGGAGTAGGGGAATTC-3'

ClinVar aggregate classification (germline): Uncertain significance. Review status: criteria provided, multiple submitters, no conflicts (2 of 4 stars). 8 submissions from 8 submitters: Uncertain significance (8). Last evaluated 2026-08-06.

Conditions:
Mosaic variegated aneuploidy syndrome 1 (MVA1). Also called: Warburton-Anyane-Yeboa syndrome. Identifiers: Orphanet 1052, MedGen C1850343, MONDO:0009759, OMIM 257300.
Premature chromatid separation trait (PCS). Also called: TOTAL PREMATURE CHROMATID SEPARATION TRAIT. Identifiers: MedGen C1864389, MONDO:0008304, OMIM 176430.
Colorectal cancer. Also called: Malignant Colorectal Neoplasm; Colorectal cancer, somatic. Identifiers: MedGen C0346629, MONDO:0005575, OMIM 114500.
Inborn genetic diseases. Identifiers: MedGen C0950123, MeSH D030342.

Submissions (8):

OLLIN Analises Genomicas, OLLIN
Classification: Uncertain significance for Colorectal cancer. Last evaluated: 2026-08-06. Review status: criteria provided, single submitter. Criteria: ACMG Guidelines 2015 PMID 25741868. Collection method: clinical testing. Allele origin: germline. Inheritance: Autosomal recessive inheritance.
Comment: This in-frame deletion, located in exon 9 (of 23), has been reported in ClinVar (accession VCV000403741.24) and in gnomAD with an allele frequency of 0.059%. However, to our knowledge, it has not been reported in the scientific literature. This variant removes 1 amino acid, preserving the reading frame and leading to a reduced protein length. According to the currently available evidence, this variant has been classified as uncertain significance (PM4, BS1).

Labcorp Genetics (formerly Invitae), Labcorp
Classification: Uncertain significance for Mosaic variegated aneuploidy syndrome 1. Last evaluated: 2026-01-27. Review status: criteria provided, single submitter. Criteria: Invitae Variant Classification Sherloc (09022015). Collection method: clinical testing. Allele origin: germline.
Comment: This variant, c.1171_1173del, results in the deletion of 1 amino acid(s) of the BUB1B protein (p.Glu391del), but otherwise preserves the integrity of the reading frame. This variant is present in population databases (rs778590557, gnomAD 0.06%). This variant has been observed in individual(s) with colorectal cancer or prostate cancer (PMID: 27239782, 39014450). This variant is also known as p.Glu390del. Experimental studies and prediction algorithms are not available or were not evaluated, and the functional significance of this variant is currently unknown. In summary, the available evidence is currently insufficient to determine the role of this variant in disease. Therefore, it has been classified as a Variant of Uncertain Significance.

Molecular Pathology, Peter Maccallum Cancer Centre
Classification: Uncertain significance for Mosaic variegated aneuploidy syndrome 1. Last evaluated: 2025-01-08. Review status: criteria provided, single submitter. Criteria: ACMG Guidelines, 2015. Collection method: clinical testing. Allele origin: germline. Inheritance: Autosomal recessive inheritance.

Ambry Genetics
Classification: Uncertain significance for Inborn genetic diseases. Last evaluated: 2024-12-04. Review status: criteria provided, single submitter. Criteria: Ambry Variant Classification Scheme 2023. Collection method: clinical testing. Allele origin: germline.
Comment: The c.1171_1173delGAG (p.E391del) alteration is located in exon 9 (coding exon 9) of the BUB1B gene. This alteration consists of an in-frame deletion of 3 nucleotides between nucleotide positions c.1171 and c.1173, resulting in the deletion of 1 residue. This variant was detected in two siblings who had early-onset colorectal cancer and breast cancer (<50y); however, it was also detected in their unaffected brother, and in healthy control individuals (Hahn, 2016). Experimental studies showed no significant difference in the binding of BUB1 or BUB3 to BUBR1 between this alteration and wild type (Hahn, 2016). Based on insufficient or conflicting evidence, the clinical significance of this alteration remains unclear.

St. Jude Molecular Pathology, St. Jude Children's Research Hospital
Classification: Uncertain significance for Mosaic variegated aneuploidy syndrome 1. Last evaluated: 2024-03-20. Review status: criteria provided, single submitter. Criteria: St. Jude Assertion Criteria 2020. Collection method: clinical testing. Allele origin: germline.

GeneDx
Classification: Uncertain significance. Last evaluated: 2022-06-13. Review status: criteria provided, single submitter. Criteria: GeneDx Variant Classification Process June 2021. Collection method: clinical testing. Allele origin: germline. Affected: yes.
Comment: In-frame deletion of 1 amino acid in a non-repeat region; In silico analysis supports a deleterious effect on protein structure/function; Has not been previously published as pathogenic or benign to our knowledge

Fulgent Genetics
Classification: Uncertain significance for Colorectal cancer; Premature chromatid separation trait; Mosaic variegated aneuploidy syndrome 1. Last evaluated: 2022-02-24. Review status: criteria provided, single submitter. Criteria: ACMG Guidelines, 2015. Collection method: clinical testing. Allele origin: unknown.

Institute for Clinical Genetics, University Hospital TU Dresden, University Hospital TU Dresden
Classification: Uncertain significance. Last evaluated: 2021-11-03. Review status: criteria provided, single submitter. Criteria: ACMG Guidelines, 2015. Collection method: clinical testing. Allele origin: germline.

Literature cited by the submitters: PubMed 27239782 (cited by Labcorp Genetics (formerly Invitae), Labcorp and Ambry Genetics); PubMed 39014450 (cited by Labcorp Genetics (formerly Invitae), Labcorp).